The following is an entry in ClinVar:

ClinVar aggregate classification (germline): Uncertain significance (1 of 4 stars; one submission).

Conditions:
Intellectual developmental disorder with short stature and behavioral abnormalities. Identifiers: MedGen C5231462, MONDO:0032870, OMIM 618687.

Allele frequency attached by ClinVar (database versions not stated): gnomAD 0.00002; gnomAD exomes 0.00002; TOPMed 0.00005; ExAC 0.00008; 1000 Genomes Project 30x 0.00016.
gnomAD v4.1: 39 of 1,544,760 alleles (0.0025%); highest among the groups gnomAD compares: East Asian, 0.069%; no homozygotes.

Submission:

Victorian Clinical Genetics Services, Murdoch Childrens Research Institute
Classification: Uncertain significance for Intellectual developmental disorder with short stature and behavioral abnormalities. Last evaluated: 2022-02-02. Review status: criteria provided, single submitter. Criteria: ACMG Guidelines, 2015. Collection method: clinical testing. Allele origin: germline. Inheritance: Autosomal recessive inheritance.
Comment: Based on the classification scheme VCGS_Germline_v1.3.4, this variant is classified as VUS-3C. Following criteria are met: 0102 - Loss of function is a known mechanism of disease in this gene and is associated with intellectual developmental disorder with short stature and behavioural abnormalities (MIM# 618687). (I) 0106 - This gene is associated with autosomal recessive disease. (I) 0200 - Variant is predicted to result in a missense amino acid change from glycine to serine. (I) 0251 - This variant is heterozygous. (I) 0304 - Variant is present in gnomAD (v2) <0.01 for a recessive condition (13 heterozygotes, 0 homozygotes). (SP) 0503 - Missense variant consistently predicted to be tolerated by multiple in silico tools or not conserved in placental mammals with a minor amino acid change. (SB) 0604 - Variant is not located in an established domain, motif, hotspot or informative constraint region. (I) 0705 - No comparable missense variants have previous evidence for pathogenicity. (I) 0807 - This variant has no previous evidence of pathogenicity. (I) 0905 - No published segregation evidence has been identified for this variant. (I) 1007 - No published functional evidence has been identified for this variant. (I) Legend: (SP) - Supporting pathogenic, (I) - Information, (SB) - Supporting benign

NM_001134382.3(IQSEC1):c.3028G>A (p.Gly1010Ser)

Gene: IQSEC1 (IQ motif and Sec7 domain ArfGEF 1; minus strand). Cytogenetic location: 3p25.2.
Variant type: single nucleotide variant.
Coding change: c.3028G>A on transcript NM_001134382.3 (MANE Select); coding-DNA position 3028, G replaced by A.
Protein change: p.Gly1010Ser; replaces glycine 1010 with serine.
Molecular consequence: missense variant. On other transcripts: 3 prime UTR variant (1), intron variant (1).
Genome position (GRCh38, 1-based): chr3:12,901,300, C>T on the plus strand (G>A on the coding strand, the complement: IQSEC1 is on the minus strand). VCF-style: chr3-12901300-C-T. GRCh37 (hg19) VCF-style: chr3-12942799-C-T.
Other names: c.*209G>A (NM_001330619.3); c.3352G>A, p.Gly1118Ser (NM_001376938.2); c.2847+1473G>A (NM_014869.8); short protein forms G1010S, G1118S.
Identifiers: ClinVar variation 1805056 (VCV001805056.1), dbSNP rs771724385, ClinGen allele CA2261777.